The following is an entry in ClinVar:

ClinVar aggregate classification (germline): Likely benign (1 of 4 stars; one submission).

Allele frequency attached by ClinVar (database versions not stated): gnomAD exomes 0.00046; gnomAD 0.00381 and 0.00406; TOPMed 0.00416; 1000 Genomes Project 0.00556; 1000 Genomes Project 30x 0.00562.

Submission:

GeneDx
Classification: Likely benign. Last evaluated: 2018-06-14. Review status: criteria provided, single submitter. Criteria: GeneDx Variant Classification (06012015). Collection method: clinical testing. Allele origin: germline. Affected: yes.
Comment: This variant is considered likely benign or benign based on one or more of the following criteria: it is a conservative change, it occurs at a poorly conserved position in the protein, it is predicted to be benign by multiple in silico algorithms, and/or has population frequency not consistent with disease.

NM_001271696.3(ABCB7):c.1831+52dup

Gene: ABCB7 (ATP binding cassette subfamily B member 7; minus strand). Cytogenetic location: Xq13.3.
Variant type: Duplication.
Coding change: c.1831+52dup on transcript NM_001271696.3 (MANE Select); 52 bases into the intron after coding-DNA position 1831, one base duplicated (T; older notation c.1831+52dupT).
Molecular consequence: intron variant.
Genome position (GRCh38, 1-based): chrX:75,065,018, A duplicated on the plus strand (T on the coding strand, the reverse complement: ABCB7 is on the minus strand). VCF-style (leftmost placement, unchanged base first): chrX-75065017-T-TA. GRCh37 (hg19) VCF-style: chrX-74284852-T-TA.
Other names: c.1753+52dup (NM_001271698.3); c.1711+52dup (NM_001271697.3); c.1714+52dup (NM_001271699.3); c.1834+52dup (NM_004299.6).
Identifiers: ClinVar variation 678942 (VCV000678942.1), dbSNP rs113812149, ClinGen allele CA331330420.